The following is an entry in ClinVar:

ClinVar aggregate classification (germline): Uncertain significance (1 of 4 stars; one submission).

Conditions:
Bethlem myopathy 1A. Also called: MYOPATHY, BENIGN CONGENITAL, WITH CONTRACTURES; Bethlem myopathy 1; Bethlem Muscular Dystrophy. Identifiers: Orphanet 610, MedGen CN029274, MONDO:0024530, OMIM 158810.

Submission:

Labcorp Genetics (formerly Invitae), Labcorp
Classification: Uncertain significance for Bethlem myopathy 1A. Last evaluated: 2025-12-13. Review status: criteria provided, single submitter. Criteria: Invitae Variant Classification Sherloc (09022015). Collection method: clinical testing. Allele origin: germline.
Comment: This sequence change replaces leucine, which is neutral and non-polar, with valine, which is neutral and non-polar, at codon 252 of the COL6A2 protein (p.Leu252Val). This variant is not present in population databases (gnomAD no frequency). This variant has not been reported in the literature in individuals affected with COL6A2-related conditions. Invitae Evidence Modeling of protein sequence and biophysical properties (such as structural, functional, and spatial information, amino acid conservation, physicochemical variation, residue mobility, and thermodynamic stability) indicates that this missense variant is not expected to disrupt COL6A2 protein function with a negative predictive value of 95%. In summary, the available evidence is currently insufficient to determine the role of this variant in disease. Therefore, it has been classified as a Variant of Uncertain Significance.

NM_001849.4(COL6A2):c.754C>G (p.Leu252Val)

Gene: COL6A2 (collagen type VI alpha 2 chain; plus strand). Cytogenetic location: 21q22.3.
Variant type: single nucleotide variant.
Coding change: c.754C>G on transcript NM_001849.4 (MANE Select); coding-DNA position 754, C replaced by G.
Protein change: p.Leu252Val; replaces leucine 252 with valine.
Molecular consequence: missense variant.
Genome position (GRCh38, 1-based): chr21:46,114,026, C>G. VCF-style: chr21-46114026-C-G. GRCh37 (hg19) VCF-style: chr21-47533940-C-G.
Other names: c.754C>G, p.Leu252Val (NM_058174.3, NM_058175.3); short protein forms L252V.
Identifiers: ClinVar variation 4706391 (VCV004706391.1).